The following is an entry in ClinVar:

ClinVar aggregate classification (germline): Conflicting classifications of pathogenicity. Review status: criteria provided, conflicting classifications (1 of 4 stars). 10 submissions from 8 submitters: Uncertain significance (2); Likely benign (8). Last evaluated 2026-08-01.

Conditions:
ERCC6-related disorder. Also called: ERCC6-related condition; ERCC6-related disorders. Identifiers: MedGen CN239385.
Age related macular degeneration 5. Identifiers: MedGen C3151063, MONDO:0013409, OMIM 613761.
Cockayne syndrome type 2 (CSB). Also called: COCKAYNE SYNDROME B; Cockayne Syndrome, Type II. Identifiers: Orphanet 191, Orphanet 90322, MedGen C0751038, MONDO:0019570, OMIM 133540.
Cerebrooculofacioskeletal syndrome 1 (COFS1). Also called: Cerebro-oculo-facio-skeletal syndrome 1. Identifiers: MedGen C0220722, MONDO:0008955, OMIM 214150.

Allele frequency attached by ClinVar (database versions not stated): 1000 Genomes Project 30x 0.00031; 1000 Genomes Project 0.00040; ExAC 0.00170; TOPMed 0.00172; gnomAD exomes 0.00176 and 0.00284; gnomAD 0.00182 and 0.00188; ESP Exome Variant Server 0.00208.
gnomAD v4.1: 4,445 of 1,614,094 alleles (0.28%); highest among the groups gnomAD compares: Middle Eastern, 0.4%; 14 homozygotes.

Submissions (10):

CeGaT Center for Human Genetics Tuebingen
Classification: Likely benign. Last evaluated: 2026-08-01. Review status: criteria provided, single submitter. Criteria: CeGaT Center For Human Genetics Tuebingen Variant Classification Criteria Version 2. Collection method: clinical testing. Allele origin: germline. Affected: yes. Observed: 15 variant alleles.
Comment: ERCC6: BP4

Labcorp Genetics (formerly Invitae), Labcorp
Classification: Likely benign. Last evaluated: 2026-02-04. Review status: criteria provided, single submitter. Criteria: Invitae Variant Classification Sherloc (09022015). Collection method: clinical testing. Allele origin: germline.

PreventionGenetics, part of Exact Sciences
Classification: Likely benign for ERCC6-related condition. Last evaluated: 2025-03-08. Review status: criteria provided, single submitter. Criteria: ACMG Guidelines, 2015. Collection method: clinical testing. Allele origin: germline.
Comment: This variant is classified as likely benign based on ACMG/AMP sequence variant interpretation guidelines (Richards et al. 2015 PMID: 25741868, with internal and published modifications).

Blueprint Genetics
Classification: Likely benign. Last evaluated: 2024-11-20. Review status: criteria provided, single submitter. Criteria: ACMG Guidelines, 2015. Collection method: clinical testing. Allele origin: germline.

Mayo Clinic Laboratories, Mayo Clinic
Classification: Uncertain significance. Last evaluated: 2022-10-13. Review status: criteria provided, single submitter. Criteria: ACMG Guidelines, 2015. Collection method: clinical testing. Allele origin: germline. Observed: 4 variant alleles.

GeneDx
Classification: Likely benign. Last evaluated: 2020-09-25. Review status: criteria provided, single submitter. Criteria: GeneDx Variant Classification Process June 2021. Collection method: clinical testing. Allele origin: germline. Affected: yes.

Eurofins Ntd Llc (ga)
Classification: Uncertain significance. Last evaluated: 2018-05-23. Review status: criteria provided, single submitter. Criteria: EGL ClinVar v180209 classification definitions. Collection method: clinical testing. Allele origin: germline. Observed: 1 variant allele, 1 heterozygote.

Illumina Laboratory Services, Illumina
Classification: Likely benign for Age related macular degeneration 5. Last evaluated: 2018-01-12. Review status: criteria provided, single submitter. Criteria: ICSL Variant Classification Criteria 13 December 2019. Collection method: clinical testing. Allele origin: germline.
Comment: This variant was observed in the ICSL laboratory as part of a predisposition screen in an ostensibly healthy population. It had not been previously curated by ICSL or reported in the Human Gene Mutation Database (HGMD: prior to June 1st, 2018), and was therefore a candidate for classification through an automated scoring system. Utilizing variant allele frequency, disease prevalence and penetrance estimates, and inheritance mode, an automated score was calculated to assess if this variant is too frequent to cause the disease. Based on the score and internal cut-off values, a variant classified as likely benign is not then subjected to further curation. The score for this variant resulted in a classification of likely benign for this disease.

Illumina Laboratory Services, Illumina
Classification: Likely benign for Cerebrooculofacioskeletal syndrome 1. Last evaluated: 2018-01-12. Review status: criteria provided, single submitter. Criteria: ICSL Variant Classification Criteria 13 December 2019. Collection method: clinical testing. Allele origin: germline.
Comment: the same text as in the submission from Illumina Laboratory Services, Illumina above.

Illumina Laboratory Services, Illumina
Classification: Likely benign for Cockayne syndrome type 2. Last evaluated: 2018-01-12. Review status: criteria provided, single submitter. Criteria: ICSL Variant Classification Criteria 13 December 2019. Collection method: clinical testing. Allele origin: germline.
Comment: the same text as in the submission from Illumina Laboratory Services, Illumina above.

Literature cited by the submitters: PubMed 25026993 (cited by Mayo Clinic Laboratories, Mayo Clinic); PubMed 35135151 (cited by Mayo Clinic Laboratories, Mayo Clinic); PubMed 36099812 (cited by Mayo Clinic Laboratories, Mayo Clinic).

NM_000124.4(ERCC6):c.1274A>C (p.Asp425Ala)

Genes: ERCC6 (ERCC excision repair 6, chromatin remodeling factor; minus strand), PGBD3 (piggyBac transposable element derived 3; minus strand). Cytogenetic location: 10q11.23.
Variant type: single nucleotide variant.
Coding change: c.1274A>C on transcript NM_000124.4 (MANE Select); coding-DNA position 1274, A replaced by C.
Protein change: p.Asp425Ala; replaces aspartic acid 425 with alanine.
Molecular consequence: missense variant. On other transcripts: 5 prime UTR variant (1).
Genome position (GRCh38, 1-based): chr10:49,524,156, T>G on the plus strand (A>C on the coding strand, the complement: ERCC6 is on the minus strand). VCF-style: chr10-49524156-T-G. GRCh37 (hg19) VCF-style: chr10-50732202-T-G.
Other names: c.1274A>C, p.Asp425Ala (NM_001277058.2, NM_001277059.2, NM_001346440.2); c.-131A>C (NM_170753.3); short protein forms D425A.
Identifiers: ClinVar variation 300083 (VCV000300083.72), dbSNP rs4253046, ClinGen allele CA5496358.